The following is an entry in ClinVar:

ClinVar aggregate classification (germline): Uncertain significance (1 of 4 stars; one submission).

Conditions:
Cohen syndrome (COH1). Also called: Cutis verticis gyrata, retinitis pigmentosa, and sensorineural deafness; PEPPER SYNDROME. Identifiers: Orphanet 193, MedGen C0265223, MONDO:0008999, OMIM 216550.

Submission:

Labcorp Genetics (formerly Invitae), Labcorp
Classification: Uncertain significance for Cohen syndrome. Last evaluated: 2021-10-31. Review status: criteria provided, single submitter. Criteria: Invitae Variant Classification Sherloc (09022015). Collection method: clinical testing. Allele origin: germline.
Comment: This variant is a gross deletion of the genomic region encompassing exon(s) 5 of the VPS13B gene. This variant would be expected to be in-frame, preserving the integrity of the reading frame. This variant has not been reported in the literature in individuals affected with VPS13B-related conditions. Experimental studies and prediction algorithms are not available or were not evaluated, and the functional significance of this variant is currently unknown. This variant disrupts a region of the VPS13B protein in which other variant(s) (p.Trp185Arg) have been observed in individuals with VPS13B-related conditions (Invitae). This suggests that this is a clinically significant region of the protein, and that variants that disrupt it are likely to be disease-causing. In summary, the available evidence is currently insufficient to determine the role of this variant in disease. Therefore, it has been classified as a Variant of Uncertain Significance.

NC_000008.11:g.(?_99102933)_(99103140_?)del

Gene: VPS13B (vacuolar protein sorting 13 homolog B; plus strand). Cytogenetic location: 8q22.2.
Variant type: Deletion.
Identifiers: ClinVar variation 833102 (VCV000833102.4).